The following is an entry in ClinVar:

ClinVar aggregate classification (germline): Uncertain significance. Review status: criteria provided, multiple submitters, no conflicts (2 of 4 stars). 2 submissions from 2 submitters: Uncertain significance (2). Last evaluated 2024-08-19.

Conditions:
Arrhythmogenic right ventricular dysplasia 13. Also called: Arrhythmogenic right ventricular dysplasia, familial, 13; ARRHYTHMOGENIC RIGHT VENTRICULAR CARDIOMYOPATHY 13. Identifiers: MedGen C3810138, MONDO:0000908, OMIM 615616.

Allele frequency attached by ClinVar (database versions not stated): gnomAD exomes 0.00001 and 0.00003; ExAC 0.00002; gnomAD 0.00003; TOPMed 0.00003.
gnomAD v4.1: 16 of 1,613,776 alleles (0.00099%); highest among the groups gnomAD compares: African/African-American, 0.0027%; no homozygotes.

Submissions (2):

Labcorp Genetics (formerly Invitae), Labcorp
Classification: Uncertain significance for Arrhythmogenic right ventricular dysplasia 13. Last evaluated: 2024-08-19. Review status: criteria provided, single submitter. Criteria: Invitae Variant Classification Sherloc (09022015). Collection method: clinical testing. Allele origin: germline.
Comment: This sequence change replaces alanine, which is neutral and non-polar, with valine, which is neutral and non-polar, at codon 312 of the CTNNA3 protein (p.Ala312Val). This variant is present in population databases (rs758173783, gnomAD 0.004%). This missense change has been observed in individual(s) with dilated cardiomyopathy and/or sudden unexpected death (PMID: 32880476, 33789662). ClinVar contains an entry for this variant (Variation ID: 1021730). Invitae Evidence Modeling of protein sequence and biophysical properties (such as structural, functional, and spatial information, amino acid conservation, physicochemical variation, residue mobility, and thermodynamic stability) indicates that this missense variant is expected to disrupt CTNNA3 protein function with a positive predictive value of 80%. In summary, the available evidence is currently insufficient to determine the role of this variant in disease. Therefore, it has been classified as a Variant of Uncertain Significance.

CeGaT Center for Human Genetics Tuebingen
Classification: Uncertain significance. Last evaluated: 2022-09-01. Review status: criteria provided, single submitter. Criteria: CeGaT Center For Human Genetics Tuebingen Variant Classification Criteria Version 2. Collection method: clinical testing. Allele origin: germline. Affected: yes. Observed: 1 variant allele.

Literature cited by the submitters: PubMed 32880476 (cited by Labcorp Genetics (formerly Invitae), Labcorp); PubMed 33789662 (cited by Labcorp Genetics (formerly Invitae), Labcorp).

NM_013266.4(CTNNA3):c.935C>T (p.Ala312Val)

Gene: CTNNA3 (catenin alpha 3; minus strand). Cytogenetic location: 10q21.3.
Variant type: single nucleotide variant.
Coding change: c.935C>T on transcript NM_013266.4 (MANE Select); coding-DNA position 935, C replaced by T.
Protein change: p.Ala312Val; replaces alanine 312 with valine.
Molecular consequence: missense variant.
Genome position (GRCh38, 1-based): chr10:67,180,429, G>A on the plus strand (C>T on the coding strand, the complement: CTNNA3 is on the minus strand). VCF-style: chr10-67180429-G-A. GRCh37 (hg19) VCF-style: chr10-68940187-G-A.
Other names: c.935C>T, p.Ala312Val (NM_001127384.3); c.971C>T, p.Ala324Val (NM_001291133.2); short protein forms A312V, A324V.
Identifiers: ClinVar variation 1021730 (VCV001021730.31), dbSNP rs758173783, ClinGen allele CA5520449.
Genomic context (GRCh38, chr10:67,180,429, plus strand): 5'-CATTCTGCGATAATCCGCTCTCGGTGTAAGTCCCTCGTACATGAAGAATCCGCCAGCAGA[G>A]CAGCCCCACTGATAATGGCTTCAAGGCGTTTCTCTAGTGATGGTCGTATTTCCTCCTCAG-3'
Protein context (NP_037398.2, residues 302-322): KRLEAIISGA[Ala312Val]LLADSSCTRD